The following is an entry in ClinVar:

ClinVar aggregate classification (germline): Uncertain significance (1 of 4 stars; one submission).

Conditions:
Intellectual disability, autosomal recessive 53 (NEDHSCA). Also called: GLYCOSYLPHOSPHATIDYLINOSITOL BIOSYNTHESIS DEFECT 13; Mental retardation, autosomal recessive 53; NEURODEVELOPMENTAL DISORDER WITH OR WITHOUT HYPOTONIA, SEIZURES, AND CEREBELLAR ATROPHY. Identifiers: Orphanet 488635, MedGen C4310794, MONDO:0014832, OMIM 616917.

Allele frequency attached by ClinVar (database versions not stated): gnomAD exomes below 0.00001; gnomAD 0.00001.
gnomAD v4.1: 8 of 1,613,994 alleles (0.0005%); highest among the groups gnomAD compares: Non-Finnish European, 0.000085%; no homozygotes.

Submission:

Labcorp Genetics (formerly Invitae), Labcorp
Classification: Uncertain significance for Intellectual disability, autosomal recessive 53. Last evaluated: 2022-01-17. Review status: criteria provided, single submitter. Criteria: Invitae Variant Classification Sherloc (09022015). Collection method: clinical testing. Allele origin: germline.
Comment: This variant has not been reported in the literature in individuals affected with PIGG-related conditions. Algorithms developed to predict the effect of missense changes on protein structure and function are either unavailable or do not agree on the potential impact of this missense change (SIFT: "Deleterious"; PolyPhen-2: "Probably Damaging"; Align-GVGD: "Class C0"). In summary, the available evidence is currently insufficient to determine the role of this variant in disease. Therefore, it has been classified as a Variant of Uncertain Significance. This variant is present in population databases (no rsID available, gnomAD 0.008%). This sequence change replaces tyrosine, which is neutral and polar, with cysteine, which is neutral and slightly polar, at codon 878 of the PIGG protein (p.Tyr878Cys).

NM_001127178.3(PIGG):c.2633A>G (p.Tyr878Cys)

Gene: PIGG (phosphatidylinositol glycan anchor biosynthesis class G (EMM blood group); plus strand). Cytogenetic location: 4p16.3.
Variant type: single nucleotide variant.
Coding change: c.2633A>G on transcript NM_001127178.3 (MANE Select); coding-DNA position 2633, A replaced by G.
Protein change: p.Tyr878Cys; replaces tyrosine 878 with cysteine.
Molecular consequence: missense variant. On other transcripts: non-coding transcript variant (10).
Genome position (GRCh38, 1-based): chr4:533,879, A>G. VCF-style: chr4-533879-A-G. GRCh37 (hg19) VCF-style: chr4-527668-A-G.
Other names: c.2366A>G, p.Tyr789Cys (NM_001289051.2, NM_001345986.2); c.2234A>G, p.Tyr745Cys (NM_001289052.2); c.2342A>G, p.Tyr781Cys (NM_001345987.2); c.1604A>G, p.Tyr535Cys (NM_001345988.2); c.1100A>G, p.Tyr367Cys (NM_001345990.2, NM_001345991.2); c.1535A>G, p.Tyr512Cys (NM_001345994.2); c.2609A>G, p.Tyr870Cys (NM_017733.5); short protein forms Y512C, Y781C, Y535C, Y789C, Y870C, Y878C, Y367C, Y745C.
Identifiers: ClinVar variation 1940552 (VCV001940552.5), dbSNP rs1468720611, ClinGen allele CA355911109.